The following is an entry in ClinVar:

ClinVar aggregate classification (germline): Uncertain significance. Review status: criteria provided, multiple submitters, no conflicts (2 of 4 stars). 2 submissions from 2 submitters: Uncertain significance (2). Last evaluated 2020-06-22.

Conditions:
Landau-Kleffner syndrome (FESD). Also called: APHASIA, ACQUIRED, WITH EPILEPSY; EPILEPSY, FOCAL, WITH SPEECH DISORDER AND WITH OR WITHOUT MENTAL RETARDATION. Identifiers: Orphanet 1945, Orphanet 725, Orphanet 98818, MedGen C0282512, MONDO:0009509, OMIM 245570.

Allele frequency attached by ClinVar (database versions not stated): gnomAD exomes 0.00001.
gnomAD v4.1: 8 of 1,613,216 alleles (0.0005%); highest among the groups gnomAD compares: South Asian, 0.0011%; no homozygotes.

Submissions (2):

Labcorp Genetics (formerly Invitae), Labcorp
Classification: Uncertain significance for Landau-Kleffner syndrome. Last evaluated: 2020-06-22. Review status: criteria provided, single submitter. Criteria: Invitae Variant Classification Sherloc (09022015). Collection method: clinical testing. Allele origin: germline.
Comment: This variant has not been reported in the literature in individuals with GRIN2A-related conditions. This variant is not present in population databases (ExAC no frequency). This sequence change affects codon 376 of the GRIN2A mRNA. It is a 'silent' change, meaning that it does not change the encoded amino acid sequence of the GRIN2A protein. Algorithms developed to predict the effect of sequence changes on RNA splicing suggest that this variant may create or strengthen a splice site, but this prediction has not been confirmed by published transcriptional studies. In summary, the available evidence is currently insufficient to determine the role of this variant in disease. Therefore, it has been classified as a Variant of Uncertain Significance.

Illumina Laboratory Services, Illumina
Classification: Uncertain significance for Landau-Kleffner syndrome. Last evaluated: 2018-01-13. Review status: criteria provided, single submitter. Criteria: ICSL Variant Classification Criteria 13 December 2019. Collection method: clinical testing. Allele origin: germline.

NM_001134407.3(GRIN2A):c.1128C>T (p.Gly376=)

Gene: GRIN2A (glutamate ionotropic receptor NMDA type subunit 2A; minus strand). Cytogenetic location: 16p13.2.
Variant type: single nucleotide variant.
Coding change: c.1128C>T on transcript NM_001134407.3 (MANE Select); coding-DNA position 1128, C replaced by T.
Protein change: p.Gly376=; no amino-acid change (glycine 376 retained).
Molecular consequence: synonymous variant.
Genome position (GRCh38, 1-based): chr16:9,849,956, G>A on the plus strand (C>T on the coding strand, the complement: GRIN2A is on the minus strand). VCF-style: chr16-9849956-G-A. GRCh37 (hg19) VCF-style: chr16-9943813-G-A.
Other names: c.1128C>T, p.Gly376= (NM_000833.5, NM_001134408.2).
Identifiers: ClinVar variation 888562 (VCV000888562.9), dbSNP rs2042854084, ClinGen allele CA493686612.